The following is an entry in ClinVar:

NM_003823.4(TNFRSF6B):c.533G>A (p.Gly178Asp)

Genes: RTEL1-TNFRSF6B (RTEL1-TNFRSF6B readthrough (NMD candidate); plus strand), TNFRSF6B (TNF receptor superfamily member 6b; plus strand). Cytogenetic location: 20q13.33.
Variant type: single nucleotide variant.
Coding change: c.533G>A on transcript NM_003823.4 (MANE Select); coding-DNA position 533, G replaced by A.
Protein change: p.Gly178Asp; replaces glycine 178 with aspartic acid.
Molecular consequence: missense variant. On other transcripts: non-coding transcript variant (1).
Genome position (GRCh38, 1-based): chr20:63,697,436, G>A. VCF-style: chr20-63697436-G-A. GRCh37 (hg19) VCF-style: chr20-62328789-G-A.
Other names: short protein forms G178D.
Identifiers: ClinVar variation 4768543 (VCV004768543.1).
Genomic context (GRCh38, chr20:63,697,436, plus strand): 5'-TCTCAGCCAGCAGCTCCAGCTCAGAGCAGTGCCAGCCCCACCGCAACTGCACGGCCCTGG[G>A]CCTGGCCCTCAATGTGCCAGGCTCTTCCTCCCATGACACCCTGTGCACCAGCTGCACTGG-3'
Protein context (NP_003814.1, residues 168-188): CQPHRNCTAL[Gly178Asp]LALNVPGSSS

ClinVar aggregate classification (germline): Uncertain significance (1 of 4 stars; one submission).

gnomAD v4.1: 6 of 1,605,252 alleles (0.00037%); highest among the groups gnomAD compares: Non-Finnish European, 0.00051%; no homozygotes.

Submission:

Labcorp Genetics (formerly Invitae), Labcorp
Classification: Uncertain significance. Last evaluated: 2025-10-03. Review status: criteria provided, single submitter. Criteria: Invitae Variant Classification Sherloc (09022015). Collection method: clinical testing. Allele origin: germline.
Comment: This sequence change replaces glycine, which is neutral and non-polar, with aspartic acid, which is acidic and polar, at codon 178 of the TNFRSF6B protein (p.Gly178Asp). This variant is not present in population databases (gnomAD no frequency). This variant has not been reported in the literature in individuals affected with TNFRSF6B-related conditions. An algorithm developed to predict the effect of missense changes on protein structure and function outputs the following: PolyPhen-2: "Possibly Damaging". The aspartic acid amino acid residue is found in multiple mammalian species, which suggests that this missense change does not adversely affect protein function. In summary, the available evidence is currently insufficient to determine the role of this variant in disease. Therefore, it has been classified as a Variant of Uncertain Significance.